The following is an entry in ClinVar:

NM_012073.5(CCT5):c.139A>G (p.Thr47Ala)

Gene: CCT5 (chaperonin containing TCP1 subunit 5; plus strand). Cytogenetic location: 5p15.2.
Variant type: single nucleotide variant.
Coding change: c.139A>G on transcript NM_012073.5 (MANE Select); coding-DNA position 139, A replaced by G.
Protein change: p.Thr47Ala; replaces threonine 47 with alanine.
Molecular consequence: missense variant.
Genome position (GRCh38, 1-based): chr5:10,254,178, A>G. VCF-style: chr5-10254178-A-G. GRCh37 (hg19) VCF-style: chr5-10254290-A-G.
Other names: c.76A>G, p.Thr26Ala (NM_001306153.1); c.139A>G, p.Thr47Ala (NM_001306154.2); c.25A>G, p.Thr9Ala (NM_001306155.2, NM_001306156.2); short protein forms T47A, T26A, T9A.
Identifiers: ClinVar variation 2851888 (VCV002851888.3), dbSNP rs770668105, ClinGen allele CA3197984.

ClinVar aggregate classification (germline): Uncertain significance (1 of 4 stars; one submission).

Conditions:
Hereditary sensory and autonomic neuropathy with spastic paraplegia (HSNSP). Identifiers: Orphanet 139578, MedGen C1850395, MONDO:0009748, OMIM 256840.

Allele frequency attached by ClinVar (database versions not stated): gnomAD 0.00001; gnomAD exomes 0.00002; TOPMed 0.00003; ExAC 0.00006.
gnomAD v4.1: 27 of 1,609,724 alleles (0.0017%); highest among the groups gnomAD compares: East Asian, 0.056%; no homozygotes.

Submission:

Labcorp Genetics (formerly Invitae), Labcorp
Classification: Uncertain significance for Hereditary sensory and autonomic neuropathy with spastic paraplegia. Last evaluated: 2024-01-08. Review status: criteria provided, single submitter. Criteria: Invitae Variant Classification Sherloc (09022015). Collection method: clinical testing. Allele origin: germline.
Comment: This sequence change replaces threonine, which is neutral and polar, with alanine, which is neutral and non-polar, at codon 47 of the CCT5 protein (p.Thr47Ala). This variant is present in population databases (rs770668105, gnomAD 0.08%), and has an allele count higher than expected for a pathogenic variant. This variant has not been reported in the literature in individuals affected with CCT5-related conditions. Advanced modeling of protein sequence and biophysical properties (such as structural, functional, and spatial information, amino acid conservation, physicochemical variation, residue mobility, and thermodynamic stability) performed at Invitae indicates that this missense variant is not expected to disrupt CCT5 protein function with a negative predictive value of 80%. In summary, the available evidence is currently insufficient to determine the role of this variant in disease. Therefore, it has been classified as a Variant of Uncertain Significance.